The following is an entry in ClinVar:

ClinVar aggregate classification (germline): Uncertain significance (1 of 4 stars; one submission).

Conditions:
Familial hemophagocytic lymphohistiocytosis 2 (FHL2). Also called: PRF1-Related Familial Hemophagocytic Lymphohistiocytosis (PRF1-fHLH). Identifiers: Orphanet 540, MedGen C1863727, MONDO:0011337, OMIM 603553.

Submission:

Labcorp Genetics (formerly Invitae), Labcorp
Classification: Uncertain significance for Familial hemophagocytic lymphohistiocytosis 2. Last evaluated: 2023-12-23. Review status: criteria provided, single submitter. Criteria: Invitae Variant Classification Sherloc (09022015). Collection method: clinical testing. Allele origin: germline.
Comment: This sequence change replaces aspartic acid, which is acidic and polar, with glutamic acid, which is acidic and polar, at codon 165 of the PRF1 protein (p.Asp165Glu). This variant is not present in population databases (gnomAD no frequency). This variant has not been reported in the literature in individuals affected with PRF1-related conditions. Advanced modeling of protein sequence and biophysical properties (such as structural, functional, and spatial information, amino acid conservation, physicochemical variation, residue mobility, and thermodynamic stability) has been performed at Invitae for this missense variant, however the output from this modeling did not meet the statistical confidence thresholds required to predict the impact of this variant on PRF1 protein function. In summary, the available evidence is currently insufficient to determine the role of this variant in disease. Therefore, it has been classified as a Variant of Uncertain Significance.

NM_001083116.3(PRF1):c.495C>G (p.Asp165Glu)

Gene: PRF1 (perforin 1; minus strand). Cytogenetic location: 10q22.1.
Variant type: single nucleotide variant.
Coding change: c.495C>G on transcript NM_001083116.3 (MANE Select); coding-DNA position 495, C replaced by G.
Protein change: p.Asp165Glu; replaces aspartic acid 165 with glutamic acid.
Molecular consequence: missense variant.
Genome position (GRCh38, 1-based): chr10:70,600,408, G>C on the plus strand (C>G on the coding strand, the complement: PRF1 is on the minus strand). VCF-style: chr10-70600408-G-C. GRCh37 (hg19) VCF-style: chr10-72360164-G-C.
Other names: c.495C>G, p.Asp165Glu (NM_005041.6); short protein forms D165E.
Identifiers: ClinVar variation 2696021 (VCV002696021.3), dbSNP rs2493486846, ClinGen allele CA376959300.